The following is an entry in ClinVar:

ClinVar aggregate classification (germline): Uncertain significance (1 of 4 stars; one submission).

Conditions:
3-methylcrotonyl-CoA carboxylase 2 deficiency. Also called: 3 alpha methylcrotonyl-CoA carboxylase 2 deficiency; 3 alpha methylcrotonylglycinuria 2; MCC 2 deficiency; Methylcrotonylglycinuria type 2; METHYLCROTONYLGLYCINURIA, TYPE II. Identifiers: Orphanet 6, MedGen C1859499, MONDO:0008862, OMIM 210210.

Allele frequency attached by ClinVar (database versions not stated): gnomAD exomes below 0.00001.
gnomAD v4.1: 2 of 1,538,216 alleles (0.00013%); highest among the groups gnomAD compares: Non-Finnish European, 0.000087%; no homozygotes.

Submission:

Labcorp Genetics (formerly Invitae), Labcorp
Classification: Uncertain significance for 3-methylcrotonyl-CoA carboxylase 2 deficiency. Last evaluated: 2022-08-05. Review status: criteria provided, single submitter. Criteria: Invitae Variant Classification Sherloc (09022015). Collection method: clinical testing. Allele origin: germline.
Comment: In summary, the available evidence is currently insufficient to determine the role of this variant in disease. Therefore, it has been classified as a Variant of Uncertain Significance. Advanced modeling of protein sequence and biophysical properties (such as structural, functional, and spatial information, amino acid conservation, physicochemical variation, residue mobility, and thermodynamic stability) performed at Invitae indicates that this missense variant is not expected to disrupt MCCC2 protein function. This variant has not been reported in the literature in individuals affected with MCCC2-related conditions. This variant is not present in population databases (gnomAD no frequency). This sequence change replaces proline, which is neutral and non-polar, with threonine, which is neutral and polar, at codon 35 of the MCCC2 protein (p.Pro35Thr).

NM_022132.5(MCCC2):c.103C>A (p.Pro35Thr)

Gene: MCCC2 (methylcrotonyl-CoA carboxylase subunit 2; plus strand). Cytogenetic location: 5q13.2.
Variant type: single nucleotide variant.
Coding change: c.103C>A on transcript NM_022132.5 (MANE Select); coding-DNA position 103, C replaced by A.
Protein change: p.Pro35Thr; replaces proline 35 with threonine.
Molecular consequence: missense variant.
Genome position (GRCh38, 1-based): chr5:71,587,528, C>A. VCF-style: chr5-71587528-C-A. GRCh37 (hg19) VCF-style: chr5-70883355-C-A.
Other names: c.103C>A, p.Pro35Thr (NM_001363147.1); short protein forms P35T.
Identifiers: ClinVar variation 1715224 (VCV001715224.5), dbSNP rs767675836, ClinGen allele CA360002287.
Genomic context (GRCh38, chr5:71,587,528, plus strand): 5'-GCCTCTCCCGCCGGGCCGCGCGCCTATCACGGGGACTCGGTGGCCTCGCTGGGCACCCAG[C>A]CGGACTTGGGCTCTGCCCTCTACCAGGTAGGCTGAGCGCCCCGGTGGCCTGGCCGCCGGT-3'
Protein context (NP_071415.1, residues 25-45): GDSVASLGTQ[Pro35Thr]DLGSALYQEN